The following is an entry in ClinVar:

NM_005422.4(TECTA):c.1774G>A (p.Val592Met)

Genes: TBCEL-TECTA (TBCEL-TECTA readthrough; plus strand), TECTA (tectorin alpha; plus strand). Cytogenetic location: 11q23.3.
Variant type: single nucleotide variant.
Coding change: c.1774G>A on transcript NM_005422.4 (MANE Select); coding-DNA position 1774, G replaced by A.
Protein change: p.Val592Met; replaces valine 592 with methionine.
Molecular consequence: missense variant.
Genome position (GRCh38, 1-based): chr11:121,125,872, G>A. VCF-style: chr11-121125872-G-A. GRCh37 (hg19) VCF-style: chr11-120996581-G-A.
Other names: c.2731G>A, p.Val911Met (NM_001378761.1); short protein forms V592M, V911M.
Identifiers: ClinVar variation 560912 (VCV000560912.2), dbSNP rs1565522273, ClinGen allele CA383012793.

ClinVar aggregate classification (germline): Pathogenic/Likely pathogenic. Review status: no assertion criteria provided (0 of 4 stars). 2 submissions from 2 submitters: Pathogenic (1); Likely pathogenic (1). Last evaluated 2018-09-10.

Conditions:
Hearing loss, autosomal recessive. Also called: Rare autosomal recessive non-syndromic sensorineural deafness type DFNB; Autosomal recessive nonsyndromic deafness; Nonsyndromic Hearing Loss, Recessive; Deafness, autosomal recessive. Identifiers: Orphanet 90635, Orphanet 90636, MedGen C1846647, MONDO:0019588, OMIM 607197.
Deafness. Identifiers: MedGen C0011053.

Submissions (2):

Center for Statistical Genetics, Columbia University
Classification: Pathogenic for Deafness. Last evaluated: 2018-09-10. Review status: no assertion criteria provided. Collection method: research. Allele origin: inherited. Affected: yes.
Comment: Autosomal recessive

University of Washington Center for Mendelian Genomics, University of Washington
Classification: Likely pathogenic for non-syndromic autosomal recessive hearing loss. Review status: no assertion criteria provided. Collection method: research. Allele origin: inherited. Affected: yes.

Literature cited by the submitters: PubMed 30303587 (cited by University of Washington Center for Mendelian Genomics, University of Washington).